The following is an entry in ClinVar:

NM_004380.3(CREBBP):c.5561A>C (p.Gln1854Pro)

Gene: CREBBP (CREB binding lysine acetyltransferase; minus strand). Cytogenetic location: 16p13.3.
Variant type: single nucleotide variant.
Coding change: c.5561A>C on transcript NM_004380.3 (MANE Select); coding-DNA position 5561, A replaced by C.
Protein change: p.Gln1854Pro; replaces glutamine 1854 with proline.
Molecular consequence: missense variant.
Genome position (GRCh38, 1-based): chr16:3,729,486, T>G on the plus strand (A>C on the coding strand, the complement: CREBBP is on the minus strand). VCF-style: chr16-3729486-T-G. GRCh37 (hg19) VCF-style: chr16-3779487-T-G.
Other names: c.5447A>C, p.Gln1816Pro (NM_001079846.1); short protein forms Q1816P, Q1854P.
Identifiers: ClinVar variation 981358 (VCV000981358.3), dbSNP rs2051852330, ClinGen allele CA394556015.

ClinVar aggregate classification (germline): Likely pathogenic. Review status: criteria provided, multiple submitters, no conflicts (2 of 4 stars). 2 submissions from 2 submitters: Likely pathogenic (2). Last evaluated 2026-02-12.

Conditions:
Menke-Hennekam syndrome 1 (MKHK1). Identifiers: MedGen C5193034, MONDO:0020763, OMIM 618332.
Intellectual disability. Also called: intellectual disabilities; Intellectual developmental disorder; Intellectual functioning disability. Identifiers: MedGen C3714756, MeSH D008607, MONDO:0001071, HP:0001249.

Submissions (2):

Dasa
Classification: Likely pathogenic for Menke-Hennekam syndrome 1. Last evaluated: 2026-02-12. Review status: criteria provided, single submitter. Criteria: DASA Assertion Criteria. Collection method: clinical testing. Allele origin: germline.
Comment: NM_004380.3(CREBBP):c.5561A>C (p.Gln1854Pro) is a missense variant that results in the substitution of glutamine with proline. This variant has been reported in individuals with CREBBP-related disorders. This variant has been reported as a de novo occurrence in an affected individual (PMID: 11040166). Also, this variant is rare in population databases. Computational evidence supports a deleterious effect. Based on the currently available evidence, this variant is classified as likely pathogenic.

Diagnostic Laboratory, Strasbourg University Hospital
Classification: Likely pathogenic for Intellectual disability. Last evaluated: 2020-09-10. Review status: criteria provided, single submitter. Criteria: ACMG Guidelines, 2015. Collection method: clinical testing. Allele origin: de novo. Affected: yes. Observed: 1 heterozygote.

Literature cited by the submitters: PubMed 11040166 (cited by Dasa).